The following is an entry in ClinVar:

NM_031935.3(HMCN1):c.2414A>C (p.Glu805Ala)

Gene: HMCN1 (hemicentin 1; plus strand). Cytogenetic location: 1q31.1.
Variant type: single nucleotide variant.
Coding change: c.2414A>C on transcript NM_031935.3 (MANE Select); coding-DNA position 2414, A replaced by C.
Protein change: p.Glu805Ala; replaces glutamic acid 805 with alanine.
Molecular consequence: missense variant.
Genome position (GRCh38, 1-based): chr1:185,977,829, A>C. VCF-style: chr1-185977829-A-C. GRCh37 (hg19) VCF-style: chr1-185946961-A-C.
Other names: short protein forms E805A.
Identifiers: ClinVar variation 1967716 (VCV001967716.5), dbSNP rs2527334589, ClinGen allele CA343882866.

ClinVar aggregate classification (germline): Uncertain significance (1 of 4 stars; one submission).

Allele frequency attached by ClinVar (database versions not stated): gnomAD exomes below 0.00001.
gnomAD v4.1: 2 of 1,613,264 alleles (0.00012%); highest among the groups gnomAD compares: South Asian, 0.0011%; no homozygotes.

Submission:

Labcorp Genetics (formerly Invitae), Labcorp
Classification: Uncertain significance. Last evaluated: 2022-04-12. Review status: criteria provided, single submitter. Criteria: Invitae Variant Classification Sherloc (09022015). Collection method: clinical testing. Allele origin: germline.
Comment: In summary, the available evidence is currently insufficient to determine the role of this variant in disease. Therefore, it has been classified as a Variant of Uncertain Significance. Algorithms developed to predict the effect of missense changes on protein structure and function are either unavailable or do not agree on the potential impact of this missense change (SIFT: "Deleterious"; PolyPhen-2: "Probably Damaging"; Align-GVGD: "Class C0"). This variant has not been reported in the literature in individuals affected with HMCN1-related conditions. This variant is not present in population databases (gnomAD no frequency). This sequence change replaces glutamic acid, which is acidic and polar, with alanine, which is neutral and non-polar, at codon 805 of the HMCN1 protein (p.Glu805Ala).